The following is an entry in ClinVar:

NM_133433.4(NIPBL):c.2298G>T (p.Arg766Ser)

Gene: NIPBL (NIPBL cohesin loading factor; plus strand). Cytogenetic location: 5p13.2.
Variant type: single nucleotide variant.
Coding change: c.2298G>T on transcript NM_133433.4 (MANE Select); coding-DNA position 2298, G replaced by T.
Protein change: p.Arg766Ser; replaces arginine 766 with serine.
Molecular consequence: missense variant.
Genome position (GRCh38, 1-based): chr5:36,985,478, G>T. VCF-style: chr5-36985478-G-T. GRCh37 (hg19) VCF-style: chr5-36985580-G-T.
Other names: c.2298G>T, p.Arg766Ser (NM_015384.5); short protein forms R766S.
Identifiers: ClinVar variation 2117569 (VCV002117569.4), dbSNP rs2477929594, ClinGen allele CA359500472.

ClinVar aggregate classification (germline): Uncertain significance (1 of 4 stars; one submission).

Conditions:
Cornelia de Lange syndrome 1 (CDLS1). Also called: Brachmann de Lange syndrome; NIPBL-Related Cornelia de Lange Syndrome; TYPUS DEGENERATIVUS AMSTELODAMENSIS. Identifiers: Orphanet 199, MedGen C4551851, MONDO:0007387, OMIM 122470.

Submission:

Labcorp Genetics (formerly Invitae), Labcorp
Classification: Uncertain significance for Cornelia de Lange syndrome 1. Last evaluated: 2022-06-28. Review status: criteria provided, single submitter. Criteria: Invitae Variant Classification Sherloc (09022015). Collection method: clinical testing. Allele origin: germline.
Comment: In summary, the available evidence is currently insufficient to determine the role of this variant in disease. Therefore, it has been classified as a Variant of Uncertain Significance. Advanced modeling of protein sequence and biophysical properties (such as structural, functional, and spatial information, amino acid conservation, physicochemical variation, residue mobility, and thermodynamic stability) performed at Invitae indicates that this missense variant is not expected to disrupt NIPBL protein function. This variant has not been reported in the literature in individuals affected with NIPBL-related conditions. This variant is not present in population databases (gnomAD no frequency). This sequence change replaces arginine, which is basic and polar, with serine, which is neutral and polar, at codon 766 of the NIPBL protein (p.Arg766Ser).